The following is an entry in ClinVar:

NM_001122681.2(SH3BP2):c.1439C>T (p.Pro480Leu)

Gene: SH3BP2 (SH3 domain binding protein 2; plus strand). Cytogenetic location: 4p16.3.
Variant type: single nucleotide variant.
Coding change: c.1439C>T on transcript NM_001122681.2 (MANE Select); coding-DNA position 1439, C replaced by T.
Protein change: p.Pro480Leu; replaces proline 480 with leucine.
Molecular consequence: missense variant.
Genome position (GRCh38, 1-based): chr4:2,832,363, C>T. VCF-style: chr4-2832363-C-T. GRCh37 (hg19) VCF-style: chr4-2834090-C-T.
Other names: c.1523C>T, p.Pro508Leu (NM_001145855.2); c.1610C>T, p.Pro537Leu (NM_001145856.2); c.1439C>T, p.Pro480Leu (NM_003023.4); short protein forms P537L, P508L, P480L.
Identifiers: ClinVar variation 4708201 (VCV004708201.1).
Genomic context (GRCh38, chr4:2,832,363, plus strand): 5'-ACCCGCTAATATGACTGTCTTATTTTAGGTTGTTCAAGGCTACAAGCCCCCGGGGAGAGC[C>T]CCAGGATGGACTCTACTGCATCCGGAACTCCTCTACCAAGTCGGGGAAGGTAGGCGCCAG-3'
Protein context (NP_001116153.1, residues 470-490): LFKATSPRGE[Pro480Leu]QDGLYCIRNS

ClinVar aggregate classification (germline): Uncertain significance (1 of 4 stars; one submission).

Conditions:
Fibrous dysplasia of jaw (CRBM). Also called: Cherubism. Identifiers: Orphanet 184, MedGen C0008029, MONDO:0007315, OMIM 118400.

gnomAD v4.1: 3 of 1,613,968 alleles (0.00019%); highest among the groups gnomAD compares: East Asian, 0.0022%; no homozygotes.

Submission:

Labcorp Genetics (formerly Invitae), Labcorp
Classification: Uncertain significance for Fibrous dysplasia of jaw. Last evaluated: 2025-11-18. Review status: criteria provided, single submitter. Criteria: Invitae Variant Classification Sherloc (09022015). Collection method: clinical testing. Allele origin: germline.
Comment: This sequence change replaces proline, which is neutral and non-polar, with leucine, which is neutral and non-polar, at codon 480 of the SH3BP2 protein (p.Pro480Leu). This variant is present in population databases (no rsID available, gnomAD 0.006%). This variant has not been reported in the literature in individuals affected with SH3BP2-related conditions. Invitae Evidence Modeling of protein sequence and biophysical properties (such as structural, functional, and spatial information, amino acid conservation, physicochemical variation, residue mobility, and thermodynamic stability) indicates that this missense variant is not expected to disrupt SH3BP2 protein function with a negative predictive value of 95%. In summary, the available evidence is currently insufficient to determine the role of this variant in disease. Therefore, it has been classified as a Variant of Uncertain Significance.